The following is an entry in ClinVar:

NM_001160372.4(TRAPPC9):c.1981+3A>G

Gene: TRAPPC9 (trafficking protein particle complex subunit 9; minus strand). Cytogenetic location: 8q24.3.
Variant type: single nucleotide variant.
Coding change: c.1981+3A>G on transcript NM_001160372.4 (MANE Select); 3 bases into the intron after coding-DNA position 1981, A replaced by G.
Molecular consequence: intron variant.
Genome position (GRCh38, 1-based): chr8:140,287,605, T>C on the plus strand (A>G on the coding strand, the complement: TRAPPC9 is on the minus strand). VCF-style: chr8-140287605-T-C. GRCh37 (hg19) VCF-style: chr8-141297704-T-C.
Other names: c.1981+3A>G (NM_031466.8, NM_001374683.1); c.1954+3A>G (NM_001321646.2); c.1837+3A>G (NM_001374684.1); c.2002+3A>G (NM_001374682.1).
Identifiers: ClinVar variation 1421546 (VCV001421546.3), dbSNP rs143344848, ClinGen allele CA4893252.

ClinVar aggregate classification (germline): Uncertain significance (1 of 4 stars; one submission).

Allele frequency attached by ClinVar (database versions not stated): gnomAD 0.00002 and 0.00004; gnomAD exomes 0.00002 and 0.00003; TOPMed 0.00002; ExAC 0.00003; 1000 Genomes Project 30x 0.00031; 1000 Genomes Project 0.00040.
gnomAD v4.1: 35 of 1,614,048 alleles (0.0022%); highest among the groups gnomAD compares: Middle Eastern, 0.016%; no homozygotes.

Submission:

Labcorp Genetics (formerly Invitae), Labcorp
Classification: Uncertain significance. Last evaluated: 2021-12-02. Review status: criteria provided, single submitter. Criteria: Invitae Variant Classification Sherloc (09022015). Collection method: clinical testing. Allele origin: germline.
Comment: This sequence change falls in intron 13 of the TRAPPC9 gene. It does not directly change the encoded amino acid sequence of the TRAPPC9 protein. It affects a nucleotide within the consensus splice site. This variant is present in population databases (rs143344848, gnomAD 0.005%). This variant has not been reported in the literature in individuals affected with TRAPPC9-related conditions. Variants that disrupt the consensus splice site are a relatively common cause of aberrant splicing (PMID: 17576681, 9536098). Experimental studies and prediction algorithms are not available or were not evaluated, and the effect of this variant on mRNA splicing is currently unknown. In summary, the available evidence is currently insufficient to determine the role of this variant in disease. Therefore, it has been classified as a Variant of Uncertain Significance.

Literature cited by the submitters: PubMed 17576681; PubMed 9536098.